The following is an entry in ClinVar:

ClinVar aggregate classification (germline): Uncertain significance (1 of 4 stars; one submission).

Conditions:
Dilated cardiomyopathy 1G (CMD1G). Identifiers: Orphanet 154, MedGen C1858763, MONDO:0011400, OMIM 604145.
Autosomal recessive limb-girdle muscular dystrophy type 2J (LGMDR10). Also called: Limb-girdle muscular dystrophy, type 2J; MUSCULAR DYSTROPHY, LIMB-GIRDLE, AUTOSOMAL RECESSIVE 10. Identifiers: Orphanet 140922, MedGen C1837342, MONDO:0012127, OMIM 608807.

Submission:

Labcorp Genetics (formerly Invitae), Labcorp
Classification: Uncertain significance for Dilated cardiomyopathy 1G; Limb-girdle muscular dystrophy, type 2J. Last evaluated: 2018-02-16. Review status: criteria provided, single submitter. Criteria: Invitae Variant Classification Sherloc (09022015). Collection method: clinical testing. Allele origin: germline.
Comment: This sequence change results in a premature translational stop signal in the TTN gene (p.Lys4904*). While this is not anticipated to result in nonsense mediated decay, it is expected to create a truncated TTN protein. This variant is not present in population databases (ExAC no frequency). This variant has not been reported in the literature in individuals with TTN-related disease. This variant identified in the TTN gene is located in the I band of the resulting protein (PMID: 25589632). Algorithms developed to predict the effect of sequence changes on RNA splicing suggest that this variant may create or strengthen a splice site, but this prediction has not been confirmed by published transcriptional studies. In summary, although this is a novel truncating variant, truncating variants in this region of the TTN gene have been shown to be highly prevalent in the TTN gene in the general population and unaffected individuals (PMID: 26701604, 22335739). However, truncating mutations in this region have also been reported to cause autosomal recessive congenital myopathy (PMID: 23975875). Therefore without additional functional and/or genetic data, this variant has been classified as a Variant of Uncertain Significance.

Literature cited by the submitters: PubMed 26701604; PubMed 25589632; PubMed 23975875; PubMed 22335739.

NM_001267550.2(TTN):c.14710A>T (p.Lys4904Ter)

Gene: TTN (titin; minus strand). Cytogenetic location: 2q31.2.
Variant type: single nucleotide variant.
Coding change: c.14710A>T on transcript NM_001267550.2 (MANE Select); coding-DNA position 14710, A replaced by T.
Protein change: p.Lys4904Ter; replaces lysine 4904 with a stop codon.
Molecular consequence: nonsense. On other transcripts: intron variant (3).
Genome position (GRCh38, 1-based): chr2:178,735,736, T>A on the plus strand (A>T on the coding strand, the complement: TTN is on the minus strand). VCF-style: chr2-178735736-T-A. GRCh37 (hg19) VCF-style: chr2-179600463-T-A.
Other names: c.13759A>T, p.Lys4587Ter (NM_001256850.1); c.10978A>T, p.Lys3660Ter (NM_133378.4); c.13282+2346A>T (NM_003319.4); c.13858+2346A>T (NM_133437.4); c.13657+2346A>T (NM_133432.3); short protein forms K4904*, K3660*, K4587*.
Identifiers: ClinVar variation 565482 (VCV000565482.1), dbSNP rs1560853002, ClinGen allele CA349597467.
Genomic context (GRCh38, chr2:178,735,736, plus strand): 5'-CTTTGCTCCACGTAACTGTGACTTTTCTGTCTTCATCTACTTGGCACTCAAGGTGGACCT[T>A]CTTATTGATAGCGGACTGCACAGGCTCTAATTCTTTAATGAAATGTGGCTTATCAATGAT-3'